The following is an entry in ClinVar:

ClinVar aggregate classification (germline): Benign/Likely benign. Review status: criteria provided, multiple submitters, no conflicts (2 of 4 stars). 3 submissions from 3 submitters: Benign (1); Likely benign (2). Last evaluated 2026-05-15.

Conditions:
Hereditary cancer-predisposing syndrome. Also called: Hereditary neoplastic syndrome; Neoplastic Syndromes, Hereditary; Hereditary Cancer Syndrome; Tumor predisposition. Identifiers: Orphanet 140162, MedGen C0027672, MeSH D009386, MONDO:0015356.
Cardiovascular phenotype. Identifiers: MedGen CN230736.
Neurofibromatosis, type 1 (NF1). Also called: Peripheral type neurofibromatosis; Neurofibromatosis, type I; VON RECKLINGHAUSEN DISEASE; NEUROFIBROMATOSIS, TYPE I, SOMATIC. Identifiers: Orphanet 636, MedGen C0027831, MONDO:0018975, OMIM 162200. Disease mechanism: loss of function.

Allele frequency attached by ClinVar (database versions not stated): gnomAD exomes below 0.00001.
gnomAD v4.1: 1 of 1,614,128 alleles (0.000062%); highest among the groups gnomAD compares: Non-Finnish European, 0.000085%; no homozygotes.

Submissions (3):

Myriad Genetics, Inc.
Classification: Benign for Neurofibromatosis, type 1. Last evaluated: 2026-05-15. Review status: criteria provided, single submitter. Criteria: Myriad Autosomal Dominant, Autosomal Recessive and X-Linked Classification Criteria (2023). Collection method: clinical testing. Allele origin: unknown.
Comment: This variant is considered benign. This variant is a silent/synonymous amino acid change and it is not expected to impact splicing.

Labcorp Genetics (formerly Invitae), Labcorp
Classification: Likely benign for Neurofibromatosis, type 1. Last evaluated: 2025-12-08. Review status: criteria provided, single submitter. Criteria: Invitae Variant Classification Sherloc (09022015). Collection method: clinical testing. Allele origin: germline.

Ambry Genetics
Classification: Likely benign for Cardiovascular phenotype; Hereditary cancer-predisposing syndrome. Last evaluated: 2021-09-14. Review status: criteria provided, single submitter. Criteria: Ambry Variant Classification Scheme 2023. Collection method: clinical testing. Allele origin: germline.

NM_001042492.3(NF1):c.1131T>C (p.Ile377=)

Gene: NF1 (neurofibromin 1; plus strand). Cytogenetic location: 17q11.2.
Variant type: single nucleotide variant.
Coding change: c.1131T>C on transcript NM_001042492.3 (MANE Select); coding-DNA position 1131, T replaced by C.
Protein change: p.Ile377=; no amino-acid change (isoleucine 377 retained).
Molecular consequence: synonymous variant.
Genome position (GRCh38, 1-based): chr17:31,201,105, T>C. VCF-style: chr17-31201105-T-C. GRCh37 (hg19) VCF-style: chr17-29528123-T-C.
Other names: c.1131T>C, p.Ile377= (NM_000267.4, NM_001128147.3).
Identifiers: ClinVar variation 457514 (VCV000457514.14), dbSNP rs1555610993, ClinGen allele CA499219589.
Genomic context (GRCh38, chr17:31,201,105, plus strand): 5'-TTTTAATCCAAGTAAGCCATTCTCAAGAGGCAGTCAGCCTGCAGATGTGGATCTAATGAT[T>C]GACTGCCTTGTTTCTTGCTTTCGTATAAGCCCTCACAACAACCAACACTTTAAGGTGAGA-3'
Protein context (NP_001035957.1, residues 367-387): GSQPADVDLM[Ile377=]DCLVSCFRIS